The following is an entry in ClinVar:

NM_003106.4(SOX2):c.561T>C (p.Asn187=)

Genes: SOX2 (SRY-box transcription factor 2; plus strand), SOX2-OT (SOX2 overlapping transcript; plus strand). Cytogenetic location: 3q26.33.
Variant type: single nucleotide variant.
Coding change: c.561T>C on transcript NM_003106.4 (MANE Select); coding-DNA position 561, T replaced by C.
Protein change: p.Asn187=; no amino-acid change (asparagine 187 retained).
Molecular consequence: synonymous variant.
Genome position (GRCh38, 1-based): chr3:181,712,921, T>C. VCF-style: chr3-181712921-T-C. GRCh37 (hg19) VCF-style: chr3-181430709-T-C.
Other names: p.Asn187=.
Identifiers: ClinVar variation 1199697 (VCV001199697.10), dbSNP rs147606682, ClinGen allele CA2717289.

ClinVar aggregate classification (germline): Likely benign. Review status: criteria provided, multiple submitters, no conflicts (2 of 4 stars). 4 submissions from 4 submitters: Likely benign (4). Last evaluated 2026-07-01.

Conditions:
Anophthalmia/microphthalmia-esophageal atresia syndrome (MCOPS3). Also called: SOX2 Disorder; AEG SYNDROME; MICROPHTHALMIA AND ESOPHAGEAL ATRESIA SYNDROME. Identifiers: Orphanet 77298, MedGen C1859773, MONDO:0008799, OMIM 206900.

Allele frequency attached by ClinVar (database versions not stated): ExAC 0.00020; gnomAD exomes 0.00021 and 0.00050; TOPMed 0.00024; gnomAD 0.00026 and 0.00028; ESP Exome Variant Server 0.00069.

Submissions (4):

CeGaT Center for Human Genetics Tuebingen
Classification: Likely benign. Last evaluated: 2026-07-01. Review status: criteria provided, single submitter. Criteria: CeGaT Center For Human Genetics Tuebingen Variant Classification Criteria Version 2. Collection method: clinical testing. Allele origin: germline. Affected: yes. Observed: 1 variant allele.
Comment: SOX2: BP4, BP7

Mayo Clinic Laboratories, Mayo Clinic
Classification: Likely benign. Last evaluated: 2024-10-15. Review status: criteria provided, single submitter. Criteria: ACMG Guidelines, 2015. Collection method: clinical testing. Allele origin: germline. Observed: 1 variant allele.
Comment: BS2, BP4, BP7

Labcorp Genetics (formerly Invitae), Labcorp
Classification: Likely benign for Anophthalmia/microphthalmia-esophageal atresia syndrome. Last evaluated: 2023-04-06. Review status: criteria provided, single submitter. Criteria: Invitae Variant Classification Sherloc (09022015). Collection method: clinical testing. Allele origin: germline.

GeneDx
Classification: Likely benign. Last evaluated: 2020-10-22. Review status: criteria provided, single submitter. Criteria: GeneDx Variant Classification Process June 2021. Collection method: clinical testing. Allele origin: germline. Affected: yes.